The following is an entry in ClinVar:

NM_012186.3(FOXE3):c.938C>G (p.Ser313Trp)

Genes: FOXE3 (forkhead box E3; plus strand), LINC01389 (long intergenic non-protein coding RNA 1389; minus strand). Cytogenetic location: 1p33.
Variant type: single nucleotide variant.
Coding change: c.938C>G on transcript NM_012186.3 (MANE Select); coding-DNA position 938, C replaced by G.
Protein change: p.Ser313Trp; replaces serine 313 with tryptophan.
Molecular consequence: missense variant.
Genome position (GRCh38, 1-based): chr1:47,417,253, C>G. VCF-style: chr1-47417253-C-G. GRCh37 (hg19) VCF-style: chr1-47882925-C-G.
Other names: short protein forms S313W.
Identifiers: ClinVar variation 1766761 (VCV001766761.2), dbSNP rs2521324623, ClinGen allele CA340251137.

ClinVar aggregate classification (germline): Uncertain significance (1 of 4 stars; one submission).

Conditions:
Cardiovascular phenotype. Identifiers: MedGen CN230736.

Submission:

Ambry Genetics
Classification: Uncertain significance for Cardiovascular phenotype. Last evaluated: 2021-10-26. Review status: criteria provided, single submitter. Criteria: Ambry Variant Classification Scheme 2023. Collection method: clinical testing. Allele origin: germline.
Comment: The p.S313W variant (also known as c.938C>G), located in coding exon 1 of the FOXE3 gene, results from a C to G substitution at nucleotide position 938. The serine at codon 313 is replaced by tryptophan, an amino acid with highly dissimilar properties. This amino acid position is conserved. In addition, this alteration is predicted to be tolerated by in silico analysis. Since supporting evidence is limited at this time, the clinical significance of this alteration remains unclear.